The following is an entry in ClinVar:

ClinVar aggregate classification (germline): Likely pathogenic. Review status: criteria provided, multiple submitters, no conflicts (2 of 4 stars). 2 submissions from 2 submitters: Likely pathogenic (2). Last evaluated 2022-10-19.

Conditions:
Charcot-Marie-Tooth disease type 1B. Also called: CHARCOT-MARIE-TOOTH DISEASE, AUTOSOMAL DOMINANT, WITH FOCALLY FOLDED MYELIN SHEATHS, TYPE 1B; CHARCOT-MARIE-TOOTH DISEASE, SLOW NERVE CONDUCTION TYPE, LINKED TO DUFFY; CHARCOT-MARIE-TOOTH NEUROPATHY, TYPE 1B; HEREDITARY MOTOR AND SENSORY NEUROPATHY I; HEREDITARY MOTOR AND SENSORY NEUROPATHY IB; PERONEAL MUSCULAR ATROPHY. Identifiers: Orphanet 101082, MedGen C0270912, MONDO:0007307, OMIM 118200.
Charcot-Marie-Tooth disease, type I (CMT1). Also called: Charcot-Marie-Tooth disease type 1; Charcot-Marie-Tooth, Type 1. Identifiers: Orphanet 65753, MedGen C0751036, MONDO:0019011.

Submissions (2):

Pangenia Genomics, Pangenia Inc.
Classification: Likely pathogenic for Charcot-Marie-Tooth disease type 1B. Last evaluated: 2022-10-19. Review status: criteria provided, single submitter. Criteria: ACMG Guidelines, 2015. Collection method: research. Allele origin: unknown. Inheritance: Autosomal dominant inheritance. Affected: yes. Observed: 1 heterozygote.
Comment: This variant was observed in one other unrelated patient with the same phenotype (ClinVar Variation ID: 945306). This variant is absent from the gnomAD v2.1.1 dataset with good coverage of the locus. In addition, an alternative variant c.303G>C (PMID: 7550231) causing the same amino acid change (p.Trp101Cys) is classified as likely pathogenic. Another missense variant c.301T>C (PMID: 33179255, ClinVar Variation ID: 411674) causing an alternative amino acid change at the same residue (p.Trp101Cys) is classified as likely pathogenic.

Labcorp Genetics (formerly Invitae), Labcorp
Classification: Likely pathogenic for Charcot-Marie-Tooth disease, type I. Last evaluated: 2019-05-03. Review status: criteria provided, single submitter. Criteria: Invitae Variant Classification Sherloc (09022015). Collection method: clinical testing. Allele origin: germline.
Comment: This variant is not present in population databases (ExAC no frequency). This sequence change replaces tryptophan with cysteine at codon 101 of the MPZ protein (p.Trp101Cys). The tryptophan residue is highly conserved and there is a large physicochemical difference between tryptophan and cysteine. This variant has not been reported in the literature in individuals with MPZ-related conditions. Algorithms developed to predict the effect of missense changes on protein structure and function are either unavailable or do not agree on the potential impact of this missense change (SIFT: "Deleterious"; PolyPhen-2: "Benign"; Align-GVGD: "Class C45"). A different variant (c.303G>C) giving rise to the same protein effect observed here (p.Trp101Cys) has been determined to be pathogenic (PMID: 7550231). This suggests that this variant is also likely to be causative of disease. In summary, the currently available evidence indicates that the variant is pathogenic, but additional data are needed to prove that conclusively. Therefore, this variant has been classified as Likely Pathogenic.

Literature cited by the submitters: PubMed 7550231 (cited by Labcorp Genetics (formerly Invitae), Labcorp).

NM_000530.8(MPZ):c.303G>T (p.Trp101Cys)

Gene: MPZ (myelin protein zero; minus strand). Cytogenetic location: 1q23.3.
Variant type: single nucleotide variant.
Coding change: c.303G>T on transcript NM_000530.8 (MANE Select); coding-DNA position 303, G replaced by T.
Protein change: p.Trp101Cys; replaces tryptophan 101 with cysteine.
Molecular consequence: missense variant.
Genome position (GRCh38, 1-based): chr1:161,306,853, C>A on the plus strand (G>T on the coding strand, the complement: MPZ is on the minus strand). VCF-style: chr1-161306853-C-A. GRCh37 (hg19) VCF-style: chr1-161276643-C-A.
Other names: c.303G>T, p.Trp101Cys (NM_001315491.2); short protein forms W101C.
Identifiers: ClinVar variation 945306 (VCV000945306.10), dbSNP rs1558154149, ClinGen allele CA343349500.